The following is an entry in ClinVar:

NM_021975.4(RELA):c.1295_1308del (p.Gly432fs)

Gene: RELA (RELA proto-oncogene, NF-kB subunit; minus strand). Cytogenetic location: 11q13.1.
Variant type: Deletion.
Coding change: c.1295_1308del on transcript NM_021975.4 (MANE Select); coding-DNA positions 1295 to 1308, 14 bases deleted (GGGAAGGAACGCTG).
Protein change: p.Gly432fs; shifts the reading frame from glycine 432.
Molecular consequence: frameshift variant. On other transcripts: intron variant (1).
Genome position (GRCh38, 1-based): chr11:65,654,726-65,654,739, CAGCGTTCCTTCCC deleted on the plus strand (GGGAAGGAACGCTG on the coding strand, the reverse complement: RELA is on the minus strand); deleting any 14 consecutive bases within chr11:65,654,726-65,654,743 gives the same sequence; the c. name uses the placement nearest the transcript's 3' end. VCF-style (leftmost placement, unchanged base first): chr11-65654725-ACAGCGTTCCTTCCC-A. GRCh37 (hg19) VCF-style: chr11-65422196-ACAGCGTTCCTTCCC-A.
Other names: c.1286_1299del, p.Gly429fs (NM_001145138.2); c.1088_1101del, p.Gly363fs (NM_001243984.2); c.1328_1341del, p.Gly443fs (NM_001404657.1); c.1268_1281del, p.Gly423fs (NM_001404658.1); c.1082_1095del, p.Gly361fs (NM_001404659.1); c.977_990del, p.Gly326fs (NM_001404660.1); c.914_927del, p.Gly305fs (NM_001404661.1); c.1202_1215del, p.Gly401fs (NM_001404662.1, NM_001404663.1); and 1 more; short protein forms G361fs, G432fs, G443fs, G401fs, G423fs, G305fs, G326fs, G363fs.
Identifiers: ClinVar variation 3643951 (VCV003643951.2).

ClinVar aggregate classification (germline): Pathogenic (1 of 4 stars; one submission).

Submission:

Labcorp Genetics (formerly Invitae), Labcorp
Classification: Pathogenic. Last evaluated: 2024-03-01. Review status: criteria provided, single submitter. Criteria: Invitae Variant Classification Sherloc (09022015). Collection method: clinical testing. Allele origin: germline.
Comment: This sequence change creates a premature translational stop signal (p.Gly432Valfs*10) in the RELA gene. While this is not anticipated to result in nonsense mediated decay, it is expected to disrupt the last 120 amino acid(s) of the RELA protein. This variant is not present in population databases (gnomAD no frequency). This variant has not been reported in the literature in individuals affected with RELA-related conditions. This variant disrupts a region of the RELA protein in which other variant(s) (p.His487Thrfs*7) have been determined to be pathogenic (PMID: 32969189). This suggests that this is a clinically significant region of the protein, and that variants that disrupt it are likely to be disease-causing. For these reasons, this variant has been classified as Pathogenic.

Literature cited by the submitters: PubMed 32969189.